The following is an entry in ClinVar:

NM_000256.3(MYBPC3):c.2905+2T>A

Gene: MYBPC3 (myosin binding protein C3; minus strand). Cytogenetic location: 11p11.2.
Variant type: single nucleotide variant.
Coding change: c.2905+2T>A on transcript NM_000256.3 (MANE Select); the canonical splice donor site of the intron after coding-DNA position 2905, T replaced by A.
Molecular consequence: splice donor variant.
Genome position (GRCh38, 1-based): chr11:47,335,040, A>T on the plus strand (T>A on the coding strand, the complement: MYBPC3 is on the minus strand). VCF-style: chr11-47335040-A-T. GRCh37 (hg19) VCF-style: chr11-47356591-A-T.
Identifiers: ClinVar variation 938851 (VCV000938851.9), dbSNP rs2095880858, ClinGen allele CA380316185.

ClinVar aggregate classification (germline): Pathogenic/Likely pathogenic. Review status: criteria provided, multiple submitters, no conflicts (2 of 4 stars). 2 submissions from 2 submitters: Pathogenic (1); Likely pathogenic (1). Last evaluated 2025-08-18.

Conditions:
Hypertrophic cardiomyopathy. Also called: HYPERTROPHIC MYOCARDIOPATHY. Identifiers: Orphanet 217569, MedGen C0007194, MeSH D002312, MONDO:0005045, HP:0001639.

Submissions (2):

GeneDx
Classification: Likely pathogenic. Last evaluated: 2025-08-18. Review status: criteria provided, single submitter. Criteria: GeneDx Variant Classification Process June 2021. Collection method: clinical testing. Allele origin: germline. Affected: yes.
Comment: Identified in a patient with HCM in published literature (PMID: 34714385); Canonical splice site variant predicted to result in an in-frame loss of the adjacent exon in a gene for which loss of function is a known mechanism of disease; Not observed at significant frequency in large population cohorts (gnomAD); This variant is associated with the following publications: (PMID: 34714385)

Labcorp Genetics (formerly Invitae), Labcorp
Classification: Pathogenic for Hypertrophic cardiomyopathy. Last evaluated: 2022-08-16. Review status: criteria provided, single submitter. Criteria: Invitae Variant Classification Sherloc (09022015). Collection method: clinical testing. Allele origin: germline.
Comment: This sequence change affects a donor splice site in intron 27 of the MYBPC3 gene. It is expected to disrupt RNA splicing. Variants that disrupt the donor or acceptor splice site typically lead to a loss of protein function (PMID: 16199547), and loss-of-function variants in MYBPC3 are known to be pathogenic (PMID: 19574547). This variant is not present in population databases (gnomAD no frequency). Disruption of this splice site has been observed in individuals with MYBPC3-related conditions (PMID: 21302287, 21959974, 30550750). For these reasons, this variant has been classified as Pathogenic. Algorithms developed to predict the effect of sequence changes on RNA splicing suggest that this variant may disrupt the consensus splice site. ClinVar contains an entry for this variant (Variation ID: 938851).

Literature cited by the submitters: PubMed 16199547 (cited by Labcorp Genetics (formerly Invitae), Labcorp); PubMed 19574547 (cited by Labcorp Genetics (formerly Invitae), Labcorp); PubMed 21302287 (cited by Labcorp Genetics (formerly Invitae), Labcorp); PubMed 21959974 (cited by Labcorp Genetics (formerly Invitae), Labcorp); PubMed 30550750 (cited by Labcorp Genetics (formerly Invitae), Labcorp).